The following is an entry in ClinVar:

NM_033026.6(PCLO):c.11794G>A (p.Ala3932Thr)

Gene: PCLO (piccolo presynaptic cytomatrix protein; minus strand). Cytogenetic location: 7q21.11.
Variant type: single nucleotide variant.
Coding change: c.11794G>A on transcript NM_033026.6 (MANE Select); coding-DNA position 11794, G replaced by A.
Protein change: p.Ala3932Thr; replaces alanine 3932 with threonine.
Molecular consequence: missense variant.
Genome position (GRCh38, 1-based): chr7:82,916,192, C>T on the plus strand (G>A on the coding strand, the complement: PCLO is on the minus strand). VCF-style: chr7-82916192-C-T. GRCh37 (hg19) VCF-style: chr7-82545508-C-T.
Other names: c.11794G>A, p.Ala3932Thr (NM_014510.3); short protein forms A3932T.
Identifiers: ClinVar variation 1958655 (VCV001958655.5), dbSNP rs560159340, ClinGen allele CA4319504.

ClinVar aggregate classification (germline): Uncertain significance (1 of 4 stars; one submission).

Allele frequency attached by ClinVar (database versions not stated): ExAC 0.00001; gnomAD 0.00002; 1000 Genomes Project 30x 0.00016; 1000 Genomes Project 0.00020.

Submission:

Labcorp Genetics (formerly Invitae), Labcorp
Classification: Uncertain significance. Last evaluated: 2022-12-05. Review status: criteria provided, single submitter. Criteria: Invitae Variant Classification Sherloc (09022015). Collection method: clinical testing. Allele origin: germline.
Comment: In summary, the available evidence is currently insufficient to determine the role of this variant in disease. Therefore, it has been classified as a Variant of Uncertain Significance. Algorithms developed to predict the effect of missense changes on protein structure and function are either unavailable or do not agree on the potential impact of this missense change (SIFT: "Deleterious"; PolyPhen-2: "Not Available"; Align-GVGD: "Class C0"). This variant has not been reported in the literature in individuals affected with PCLO-related conditions. This variant is present in population databases (rs560159340, gnomAD 0.003%). This sequence change replaces alanine, which is neutral and non-polar, with threonine, which is neutral and polar, at codon 3932 of the PCLO protein (p.Ala3932Thr).